The following is an entry in ClinVar:

NM_000038.6(APC):c.4551G>T (p.Gln1517His)

Gene: APC (APC regulator of Wnt signaling pathway; plus strand). Cytogenetic location: 5q22.2.
Variant type: single nucleotide variant.
Coding change: c.4551G>T on transcript NM_000038.6 (MANE Select); coding-DNA position 4551, G replaced by T.
Protein change: p.Gln1517His; replaces glutamine 1517 with histidine.
Molecular consequence: missense variant.
Genome position (GRCh38, 1-based): chr5:112,840,145, G>T. VCF-style: chr5-112840145-G-T. GRCh37 (hg19) VCF-style: chr5-112175842-G-T.
Other names: c.4551G>T, p.Gln1517His (NM_001127510.3, NM_001354895.2); c.4497G>T, p.Gln1499His (NM_001127511.3); c.4605G>T, p.Gln1535His (NM_001354896.2); c.4581G>T, p.Gln1527His (NM_001354897.2); c.4476G>T, p.Gln1492His (NM_001354898.2); c.4467G>T, p.Gln1489His (NM_001354899.2); c.4428G>T, p.Gln1476His (NM_001354900.2); c.4374G>T, p.Gln1458His (NM_001354901.2); and 5 more; short protein forms Q1499H, Q1517H, Q1416H, Q1489H, Q1492H, Q1527H, Q1458H, Q1476H.
Identifiers: ClinVar variation 631094 (VCV000631094.6), dbSNP rs1561593495, ClinGen allele CA16031292.
Genomic context (GRCh38, chr5:112,840,145, plus strand): 5'-AGATGGATTTTCTTGTTCATCCAGCCTGAGTGCTCTGAGCCTCGATGAGCCATTTATACA[G>T]AAAGATGTGGAATTAAGAATAATGCCTCCAGTTCAGGAAAATGACAATGGGAATGAAACA-3'
Protein context (NP_000029.2, residues 1507-1527): SALSLDEPFI[Gln1517His]KDVELRIMPP

ClinVar aggregate classification (germline): Uncertain significance. Review status: criteria provided, multiple submitters, no conflicts (2 of 4 stars). 2 submissions from 2 submitters: Uncertain significance (2). Last evaluated 2022-10-30.

Conditions:
Hereditary cancer-predisposing syndrome. Also called: Tumor predisposition; Neoplastic Syndromes, Hereditary; Hereditary neoplastic syndrome; Hereditary Cancer Syndrome. Identifiers: Orphanet 140162, MedGen C0027672, MeSH D009386, MONDO:0015356.
Familial adenomatous polyposis 1 (FAP1). Also called: POLYPOSIS, ADENOMATOUS INTESTINAL; FAMILIAL ADENOMATOUS POLYPOSIS 1, ATTENUATED. Identifiers: MedGen C2713442, MONDO:0021056, OMIM 175100. Disease mechanism: loss of function.

Submissions (2):

Labcorp Genetics (formerly Invitae), Labcorp
Classification: Uncertain significance for Familial adenomatous polyposis 1. Last evaluated: 2022-10-30. Review status: criteria provided, single submitter. Criteria: Invitae Variant Classification Sherloc (09022015). Collection method: clinical testing. Allele origin: germline.
Comment: Advanced modeling of protein sequence and biophysical properties (such as structural, functional, and spatial information, amino acid conservation, physicochemical variation, residue mobility, and thermodynamic stability) performed at Invitae indicates that this missense variant is not expected to disrupt APC protein function. In summary, the available evidence is currently insufficient to determine the role of this variant in disease. Therefore, it has been classified as a Variant of Uncertain Significance. ClinVar contains an entry for this variant (Variation ID: 631094). This variant has not been reported in the literature in individuals affected with APC-related conditions. This variant is not present in population databases (gnomAD no frequency). This sequence change replaces glutamine, which is neutral and polar, with histidine, which is basic and polar, at codon 1517 of the APC protein (p.Gln1517His).

Color Diagnostics, LLC DBA Color Health
Classification: Uncertain significance for Hereditary cancer-predisposing syndrome. Last evaluated: 2019-01-01. Review status: criteria provided, single submitter. Criteria: ACMG Guidelines, 2015. Collection method: clinical testing. Allele origin: germline.